The following is an entry in ClinVar:

ClinVar aggregate classification (germline): Likely pathogenic. Review status: criteria provided, single submitter (1 of 4 stars). 2 submissions from 2 submitters: Likely pathogenic (1). 1 of the submissions does not count toward it. Last evaluated 2024-10-13.

Conditions:
Thrombocytopenia 2 (THC2). Also called: ANKRD26-Related Thrombocytopenia. Identifiers: Orphanet 268322, MedGen C1861185, MONDO:0008555, OMIM 188000.

Submissions (2):

Genomic Medicine Center of Excellence, King Faisal Specialist Hospital and Research Centre
Classification: Likely pathogenic for Thrombocytopenia 2. Last evaluated: 2024-10-13. Review status: criteria provided, single submitter. Criteria: ACMG Guidelines, 2015. Collection method: clinical testing. Allele origin: germline.
Comment: This sequence change creates a premature translational stop signal (GRCh38; NM_014915.3:c.2476G>T:p.Glu826Ter) in the ANKRD26 protein. This alteration is expected to result in loss of function by premature termination codon resulting in protein truncation, or nonsense-mediated mRNA decay. This alteration is interpreted as disease-causing mutation, a commonly known mechanism for disease. Not observed at significant frequency in large population cohorts (gnomAD). ClinVar contains an entry for this variant (Variation ID: 828130). In summary, this variant meets our criteria for classification as Likely pathogenic based on the evidence outlined.

Biochemical Molecular Genetic Laboratory, King Abdulaziz Medical City
Classification: Likely pathogenic for Thrombocytopenia 2. Last evaluated: 2020-02-05. Review status: no assertion criteria provided. Collection method: clinical testing. Allele origin: germline. Affected: yes. Not counted in ClinVar's aggregate classification.

NM_014915.3(ANKRD26):c.2476G>T (p.Glu826Ter)

Gene: ANKRD26 (ankyrin repeat domain 26; minus strand). Cytogenetic location: 10p12.1.
Variant type: single nucleotide variant.
Coding change: c.2476G>T on transcript NM_014915.3 (MANE Select); coding-DNA position 2476, G replaced by T.
Protein change: p.Glu826Ter; replaces glutamic acid 826 with a stop codon.
Molecular consequence: nonsense.
Genome position (GRCh38, 1-based): chr10:27,037,954, C>A on the plus strand (G>T on the coding strand, the complement: ANKRD26 is on the minus strand). VCF-style: chr10-27037954-C-A. GRCh37 (hg19) VCF-style: chr10-27326883-C-A.
Other names: c.2473G>T, p.Glu825Ter (NM_001256053.2); short protein forms E825*, E826*.
Identifiers: ClinVar variation 828130 (VCV000828130.2), dbSNP rs1589257502, ClinGen allele CA376366671.